The following is an entry in ClinVar:

ClinVar aggregate classification (germline): Uncertain significance. Review status: criteria provided, single submitter (1 of 4 stars). 2 submissions from 2 submitters: Uncertain significance (1). 1 of the submissions does not count toward it. Last evaluated 2023-08-17.

Conditions:
GNAS-related disorder. Identifiers: MedGen CN380105.

Allele frequency attached by ClinVar (database versions not stated): TOPMed below 0.00001; gnomAD 0.00001; gnomAD exomes 0.00001.
gnomAD v4.1: 9 of 1,613,966 alleles (0.00056%); highest among the groups gnomAD compares: Non-Finnish European, 0.00076%; no homozygotes.

Submissions (2):

Labcorp Genetics (formerly Invitae), Labcorp
Classification: Uncertain significance. Last evaluated: 2023-08-17. Review status: criteria provided, single submitter. Criteria: Invitae Variant Classification Sherloc (09022015). Collection method: clinical testing. Allele origin: germline.
Comment: This sequence change replaces valine, which is neutral and non-polar, with methionine, which is neutral and non-polar, at codon 184 of the GNAS protein (p.Val184Met). In summary, the available evidence is currently insufficient to determine the role of this variant in disease. Therefore, it has been classified as a Variant of Uncertain Significance. Advanced modeling of protein sequence and biophysical properties (such as structural, functional, and spatial information, amino acid conservation, physicochemical variation, residue mobility, and thermodynamic stability) performed at Invitae indicates that this missense variant is not expected to disrupt GNAS protein function. This variant has not been reported in the literature in individuals affected with GNAS-related conditions. This variant is present in population databases (no rsID available, gnomAD 0.0009%).

PreventionGenetics, part of Exact Sciences
Classification: Uncertain significance for GNAS-related condition. Last evaluated: 2024-04-02. Review status: no assertion criteria provided. Collection method: clinical testing. Allele origin: germline. Not counted in ClinVar's aggregate classification.
Comment: The GNAS c.550G>A variant is predicted to result in the amino acid substitution p.Val184Met. To our knowledge, this variant has not been reported in the literature. This variant is reported in 0.00088% of alleles in individuals of European (Non-Finnish) descent in gnomAD. At this time, the clinical significance of this variant is uncertain due to the absence of conclusive functional and genetic evidence.

NM_000516.7(GNAS):c.550G>A (p.Val184Met)

Gene: GNAS (GNAS complex locus; plus strand). Cytogenetic location: 20q13.32.
Variant type: single nucleotide variant.
Coding change: c.550G>A on transcript NM_000516.7 (MANE Select); coding-DNA position 550, G replaced by A.
Protein change: p.Val184Met; replaces valine 184 with methionine.
Molecular consequence: missense variant. On other transcripts: 3 prime UTR variant (2).
Genome position (GRCh38, 1-based): chr20:58,909,181, G>A. VCF-style: chr20-58909181-G-A. GRCh37 (hg19) VCF-style: chr20-57484236-G-A.
Other names: c.553G>A, p.Val185Met (NM_001077488.5); c.505G>A, p.Val169Met (NM_001077489.4); c.*411G>A (NM_001077490.3); c.373G>A, p.Val125Met (NM_001309840.2, NM_001309861.2); c.454G>A, p.Val152Met (NM_001410912.1); c.2434G>A, p.Val812Met (NM_001410913.1); c.*456G>A (NM_016592.5); c.2479G>A, p.Val827Met (NM_080425.4); and 2 more; short protein forms V125M, V170M, V152M, V185M, V184M, V827M, V169M, V812M.
Identifiers: ClinVar variation 3002401 (VCV003002401.4), dbSNP rs1027670523, ClinGen allele CA316339768.